The following is an entry in ClinVar:

ClinVar aggregate classification (germline): Likely benign (0 of 4 stars; one submission).

Conditions:
MAPK8-related disorder. Also called: MAPK8-related condition.

Allele frequency attached by ClinVar (database versions not stated): ESP Exome Variant Server 0.00008; TOPMed 0.00009; gnomAD 0.00011; gnomAD exomes 0.00013; ExAC 0.00022.
gnomAD v4.1: 222 of 1,604,198 alleles (0.014%); highest among the groups gnomAD compares: South Asian, 0.08%; 1 homozygote.

Submission:

PreventionGenetics, part of Exact Sciences
Classification: Likely benign for MAPK8-related condition. Last evaluated: 2019-06-27. Review status: no assertion criteria provided. Collection method: clinical testing. Allele origin: germline.
Comment: This variant is classified as likely benign based on ACMG/AMP sequence variant interpretation guidelines (Richards et al. 2015 PMID: 25741868, with internal and published modifications).

NM_001323329.2(MAPK8):c.48A>G (p.Gly16=)

Gene: MAPK8 (mitogen-activated protein kinase 8; plus strand). Cytogenetic location: 10q11.22.
Variant type: single nucleotide variant.
Coding change: c.48A>G on transcript NM_001323329.2 (MANE Select); coding-DNA position 48, A replaced by G.
Protein change: p.Gly16=; no amino-acid change (glycine 16 retained).
Molecular consequence: synonymous variant. On other transcripts: non-coding transcript variant (3).
Genome position (GRCh38, 1-based): chr10:48,401,708, A>G. VCF-style: chr10-48401708-A-G. GRCh37 (hg19) VCF-style: chr10-49609751-A-G.
Other names: c.48A>G, p.Gly16= (NM_001278547.2, NM_001278548.2, NM_001323302.2 and 14 more transcripts).
Identifiers: ClinVar variation 3042498 (VCV003042498.2), dbSNP rs137900446, ClinGen allele CA5490668.
Genomic context (GRCh38, chr10:48,401,708, plus strand): 5'-ATTGCTTGCCATCATGAGCAGAAGCAAGCGTGACAACAATTTTTATAGTGTAGAGATTGG[A>G]GATTCTACATTCACAGTCCTGAAACGATATCAGAATTTAAAACCTATAGGCTCAGGAGCT-3'
Protein context (NP_001310258.1, residues 6-26): RDNNFYSVEI[Gly16=]DSTFTVLKRY